The following is an entry in ClinVar:

NM_032380.5(GFM2):c.3G>T (p.Met1Ile)

Gene: GFM2 (GTP dependent ribosome recycling factor mitochondrial 2; minus strand). Cytogenetic location: 5q13.3.
Variant type: single nucleotide variant.
Coding change: c.3G>T on transcript NM_032380.5 (MANE Select); coding-DNA position 3, G replaced by T.
Protein change: p.Met1Ile; changes the start codon (methionine 1).
Molecular consequence: missense variant, initiator codon variant. On other transcripts: non-coding transcript variant (1).
Genome position (GRCh38, 1-based): chr5:74,763,740, C>A on the plus strand (G>T on the coding strand, the complement: GFM2 is on the minus strand). VCF-style: chr5-74763740-C-A. GRCh37 (hg19) VCF-style: chr5-74059565-C-A.
Other names: c.99G>T, p.Met33Ile (NM_001281302.2); c.3G>T, p.Met1Ile (NM_170681.3, NM_170691.3); short protein forms M33I, M1I.
Identifiers: ClinVar variation 2898558 (VCV002898558.3), dbSNP rs2479042742, ClinGen allele CA360065445.

ClinVar aggregate classification (germline): Uncertain significance (1 of 4 stars; one submission).

Allele frequency attached by ClinVar (database versions not stated): gnomAD exomes below 0.00001.

Submission:

Labcorp Genetics (formerly Invitae), Labcorp
Classification: Uncertain significance. Last evaluated: 2025-09-02. Review status: criteria provided, single submitter. Criteria: Invitae Variant Classification Sherloc (09022015). Collection method: clinical testing. Allele origin: germline.
Comment: This sequence change affects the initiator codon of the GFM2 mRNA. This change may impact translation initiation or efficiency. The next in-frame methionine is located at codon 10. This variant is not present in population databases (gnomAD no frequency). This variant has not been reported in the literature in individuals affected with GFM2-related conditions. ClinVar contains an entry for this variant (Variation ID: 2898558). Experimental studies and prediction algorithms are not available or were not evaluated, and the functional significance of this variant is currently unknown. In summary, the available evidence is currently insufficient to determine the role of this variant in disease. Therefore, it has been classified as a Variant of Uncertain Significance.